The following is an entry in ClinVar:

NM_004656.4(BAP1):c.1843_1852dup (p.Pro618fs)

Gene: BAP1 (BRCA1 associated deubiquitinase 1; minus strand). Cytogenetic location: 3p21.1.
Variant type: Duplication.
Coding change: c.1843_1852dup on transcript NM_004656.4 (MANE Select); coding-DNA positions 1843 to 1852, 10 bases duplicated (ATGGTGAGGC; older notation c.1843_1852dupATGGTGAGGC).
Protein change: p.Pro618fs; shifts the reading frame from proline 618.
Molecular consequence: frameshift variant.
Genome position (GRCh38, 1-based): chr3:52,403,176-52,403,185, GCCTCACCAT duplicated on the plus strand (ATGGTGAGGC on the coding strand, the reverse complement: BAP1 is on the minus strand). VCF-style (leftmost placement, unchanged base first): chr3-52403175-G-GGCCTCACCAT. GRCh37 (hg19) VCF-style: chr3-52437191-G-GGCCTCACCAT.
Other names: c.1789_1798dup, p.Pro600fs (NM_001410772.1); c.1843_1852dupATGGTGAGGC (NM_004656.2); short protein forms P600fs, P618fs.
Identifiers: ClinVar variation 5032734 (VCV005032734.1).

ClinVar aggregate classification (germline): Pathogenic (1 of 4 stars; one submission).

Conditions:
Hereditary cancer-predisposing syndrome. Also called: Neoplastic Syndromes, Hereditary; Tumor predisposition; Hereditary neoplastic syndrome; Hereditary Cancer Syndrome. Identifiers: Orphanet 140162, MedGen C0027672, MeSH D009386, MONDO:0015356.

Submission:

Ambry Genetics
Classification: Pathogenic for Hereditary cancer-predisposing syndrome. Last evaluated: 2026-07-16. Review status: criteria provided, single submitter. Criteria: Ambry Variant Classification Scheme 2023. Collection method: clinical testing. Allele origin: germline.
Comment: The c.1843_1852dup10 variant, located in coding exon 14 of the BAP1 gene, results from a duplication of ATGGTGAGGC at nucleotide position 1843, causing a translational frameshift with a predicted alternate stop codon (p.P618Hfs*28). This variant is considered to be rare based on population cohorts in the Genome Aggregation Database (gnomAD). This alteration is expected to result in loss of function by premature protein truncation or nonsense-mediated mRNA decay. As such, this alteration is interpreted as a disease-causing mutation.